The following is an entry in ClinVar:

NC_000011.9:g.(?_108143253)_(108153612_?)dup

Gene: ATM (ATM serine/threonine kinase; plus strand). Cytogenetic location: 11q22.3.
Variant type: Duplication.
Identifiers: ClinVar variation 524492 (VCV000524492.1).

ClinVar aggregate classification (germline): Uncertain significance (1 of 4 stars; one submission).

Conditions:
Ataxia-telangiectasia syndrome (AT). Also called: ATAXIA-TELANGIECTASIA, COMPLEMENTATION GROUP A; ATAXIA-TELANGIECTASIA, FRESNO VARIANT; Ataxia-telangiectasia; Ataxia-telangiectasia, complementation group D; AT, COMPLEMENTATION GROUP C; Ataxia-telangiectasia, complementation group E. Identifiers: Orphanet 100, MedGen C0004135, MONDO:0008840, OMIM 208900.

Submission:

Labcorp Genetics (formerly Invitae), Labcorp
Classification: Uncertain significance for Ataxia-telangiectasia syndrome. Last evaluated: 2018-04-01. Review status: criteria provided, single submitter. Criteria: Invitae Variant Classification Sherloc (09022015). Collection method: clinical testing. Allele origin: germline.
Comment: This variant is a copy number gain of the genomic region encompassing exons 21-25 of the ATM gene. While the exact position of this variant cannot be determined from this data, it is likely in tandem and in-frame, therefore preserving the integrity of the reading frame. This variant has not been reported in the literature in individuals with ATM-related disease. Experimental studies and prediction algorithms are not available for this variant, and the functional significance of the duplicated amino acids is currently unknown. In summary, the available evidence is currently insufficient to determine the role of this variant in disease. Therefore, it has been classified as a Variant of Uncertain Significance.